The following is an entry in ClinVar:

NM_022132.5(MCCC2):c.281+4C>T

Gene: MCCC2 (methylcrotonyl-CoA carboxylase subunit 2; plus strand). Cytogenetic location: 5q13.2.
Variant type: single nucleotide variant.
Coding change: c.281+4C>T on transcript NM_022132.5 (MANE Select); 4 bases into the intron after coding-DNA position 281, C replaced by T.
Molecular consequence: intron variant.
Genome position (GRCh38, 1-based): chr5:71,596,368, C>T. VCF-style: chr5-71596368-C-T. GRCh37 (hg19) VCF-style: chr5-70892195-C-T.
Other names: c.281+4C>T (NM_001363147.1).
Identifiers: ClinVar variation 2239097 (VCV002239097.3), dbSNP rs758998339, ClinGen allele CA3297715.

ClinVar aggregate classification (germline): Uncertain significance. Review status: criteria provided, multiple submitters, no conflicts (2 of 4 stars). 2 submissions from 2 submitters: Uncertain significance (2). Last evaluated 2024-11-11.

Conditions:
Inborn genetic diseases. Identifiers: MedGen C0950123, MeSH D030342.

Allele frequency attached by ClinVar (database versions not stated): gnomAD 0.00001; TOPMed 0.00001; ExAC 0.00002; gnomAD exomes 0.00003.
gnomAD v4.1: 44 of 1,611,180 alleles (0.0027%); highest among the groups gnomAD compares: South Asian, 0.021%; no homozygotes.

Submissions (2):

Blueprint Genetics
Classification: Uncertain significance. Last evaluated: 2024-11-11. Review status: criteria provided, single submitter. Criteria: ACMG Guidelines, 2015. Collection method: clinical testing. Allele origin: germline.

Ambry Genetics
Classification: Uncertain significance for Inborn genetic diseases. Last evaluated: 2021-09-01. Review status: criteria provided, single submitter. Criteria: Ambry Variant Classification Scheme 2023. Collection method: clinical testing. Allele origin: germline.
Comment: The c.281+4C>T intronic alteration consists of a C to T substitution 4 nucleotides after exon 3 of the MCCC2 gene. Based on insufficient or conflicting evidence, the clinical significance of this alteration remains unclear.